The following is an entry in ClinVar:

NM_005431.2(XRCC2):c.23C>T (p.Ala8Val)

Gene: XRCC2 (X-ray repair cross complementing 2; minus strand). Cytogenetic location: 7q36.1.
Variant type: single nucleotide variant.
Coding change: c.23C>T on transcript NM_005431.2 (MANE Select); coding-DNA position 23, C replaced by T.
Protein change: p.Ala8Val; replaces alanine 8 with valine.
Molecular consequence: missense variant.
Genome position (GRCh38, 1-based): chr7:152,676,057, G>A on the plus strand (C>T on the coding strand, the complement: XRCC2 is on the minus strand). VCF-style: chr7-152676057-G-A. GRCh37 (hg19) VCF-style: chr7-152373142-G-A.
Other names: short protein forms A8V.
Identifiers: ClinVar variation 3817843 (VCV003817843.1).

ClinVar aggregate classification (germline): Uncertain significance (1 of 4 stars; one submission).

Conditions:
Hereditary cancer-predisposing syndrome. Also called: Hereditary neoplastic syndrome; Neoplastic Syndromes, Hereditary; Tumor predisposition; Hereditary Cancer Syndrome. Identifiers: Orphanet 140162, MedGen C0027672, MeSH D009386, MONDO:0015356.

Submission:

Ambry Genetics
Classification: Uncertain significance for Hereditary cancer-predisposing syndrome. Last evaluated: 2025-01-27. Review status: criteria provided, single submitter. Criteria: Ambry Variant Classification Scheme 2023. Collection method: clinical testing. Allele origin: germline.
Comment: The p.A8V variant (also known as c.23C>T), located in coding exon 1 of the XRCC2 gene, results from a C to T substitution at nucleotide position 23. The alanine at codon 8 is replaced by valine, an amino acid with similar properties. This amino acid position is conserved. In addition, this alteration is predicted to be tolerated by in silico analysis. Based on the available evidence, the clinical significance of this variant remains unclear.